The following is an entry in ClinVar:

ClinVar aggregate classification (germline): Conflicting classifications of pathogenicity. Review status: criteria provided, conflicting classifications (1 of 4 stars). 4 submissions from 4 submitters: Uncertain significance (2); Likely benign (2). Last evaluated 2025-05-29.

Conditions:
Cardiovascular phenotype. Identifiers: MedGen CN230736.
Atrial septal defect 3 (ASD3). Identifiers: Orphanet 1478, MedGen C3279790, MONDO:0013567, OMIM 614089.
Dilated cardiomyopathy 1EE (CMD1EE). Identifiers: Orphanet 154, MedGen C2750466, MONDO:0013198, OMIM 613252.
Hypertrophic cardiomyopathy 14. Identifiers: MedGen C2750467, MONDO:0013197, OMIM 613251.
Hypertrophic cardiomyopathy 1 (CMH1). Also called: MYH7-Related Familial Hypertrophic Cardiomyopathy; Familial hypertrophic cardiomyopathy 1. Identifiers: MedGen C3495498, MONDO:0008647, OMIM 192600.
Sick sinus syndrome 3, susceptibility to (SSS3). Identifiers: Orphanet 166282, MedGen C3279791, MONDO:0013568, OMIM 614090.

Allele frequency attached by ClinVar (database versions not stated): gnomAD exomes 0.00003 and 0.00012; gnomAD 0.00004 and 0.00006; TOPMed 0.00006; ExAC 0.00011; 1000 Genomes Project 30x 0.00047; 1000 Genomes Project 0.00060.
gnomAD v4.1: 59 of 1,614,220 alleles (0.0037%); highest among the groups gnomAD compares: East Asian, 0.096%; no homozygotes.

Submissions (4):

Labcorp Genetics (formerly Invitae), Labcorp
Classification: Likely benign for Hypertrophic cardiomyopathy 14. Last evaluated: 2025-05-29. Review status: criteria provided, single submitter. Criteria: Invitae Variant Classification Sherloc (09022015). Collection method: clinical testing. Allele origin: germline.

Fulgent Genetics
Classification: Uncertain significance for Hypertrophic cardiomyopathy 1; Hypertrophic cardiomyopathy 14; Dilated cardiomyopathy 1EE; Atrial septal defect 3; Sick sinus syndrome 3, susceptibility to. Last evaluated: 2022-01-17. Review status: criteria provided, single submitter. Criteria: ACMG Guidelines, 2015. Collection method: clinical testing. Allele origin: unknown.

Ambry Genetics
Classification: Likely benign for Cardiovascular phenotype. Last evaluated: 2021-08-06. Review status: criteria provided, single submitter. Criteria: Ambry Variant Classification Scheme 2023. Collection method: clinical testing. Allele origin: germline.

Laboratory for Molecular Medicine, Mass General Brigham Personalized Medicine
Classification: Uncertain significance. Last evaluated: 2015-10-01. Review status: criteria provided, single submitter. Criteria: LMM Criteria. Collection method: clinical testing. Allele origin: germline. Observed: 2 variant alleles.
Comment: The p.Ala446Thr variant in MYH6 has not been previously reported in individuals with cardiomyopathy, but has been identified in 0.14% (12/8654) of East Asian ch romosomes by the Exome Aggregation Consortium (ExAC. org; rs556536964). Computational prediction tools and conservation analysis do n ot provide strong support for or against an impact to the protein. In summary, t he clinical significance of the p.Ala446Thr variant is uncertain.

Literature cited by the submitters: PubMed 26272908 (cited by Ambry Genetics); PubMed 21822268 (cited by Laboratory for Molecular Medicine, Mass General Brigham Personalized Medicine).

NM_002471.4(MYH6):c.1336G>A (p.Ala446Thr)

Gene: MYH6 (myosin heavy chain 6; minus strand). Cytogenetic location: 14q11.2.
Variant type: single nucleotide variant.
Coding change: c.1336G>A on transcript NM_002471.4 (MANE Select); coding-DNA position 1336, G replaced by A.
Protein change: p.Ala446Thr; replaces alanine 446 with threonine.
Molecular consequence: missense variant.
Genome position (GRCh38, 1-based): chr14:23,400,783, C>T on the plus strand (G>A on the coding strand, the complement: MYH6 is on the minus strand). VCF-style: chr14-23400783-C-T. GRCh37 (hg19) VCF-style: chr14-23869992-C-T.
Other names: short protein forms A446T.
Identifiers: ClinVar variation 228886 (VCV000228886.18), dbSNP rs556536964, ClinGen allele CA7115836.